The following is an entry in ClinVar:

NM_001042545.2(LTBP4):c.1913C>T (p.Ser638Leu)

Gene: LTBP4 (latent transforming growth factor beta binding protein 4; plus strand). Cytogenetic location: 19q13.2.
Variant type: single nucleotide variant.
Coding change: c.1913C>T on transcript NM_001042545.2 (MANE Select); coding-DNA position 1913, C replaced by T.
Protein change: p.Ser638Leu; replaces serine 638 with leucine.
Molecular consequence: missense variant.
Genome position (GRCh38, 1-based): chr19:40,611,254, C>T. VCF-style: chr19-40611254-C-T. GRCh37 (hg19) VCF-style: chr19-41117160-C-T.
Other names: c.2114C>T, p.Ser705Leu (NM_001042544.1); c.2003C>T, p.Ser668Leu (NM_003573.2); short protein forms S638L, S668L, S705L.
Identifiers: ClinVar variation 1508122 (VCV001508122.7), dbSNP rs776198890, ClinGen allele CA9448472.
Genomic context (GRCh38, chr19:40,611,254, plus strand): 5'-GGGCCTGCAAGAACCTGCCTGGCTCTTTCCGCTGTGTTTGCCCGGCTGGCTTCCGGGGCT[C>T]GGCGTGTGAAGAGGATGTGGATGAGTGTGCCCAGGAGCCGCCGCCCTGTGGGCCCGGCCG-3'
Protein context (NP_001036010.1, residues 628-648): RCVCPAGFRG[Ser638Leu]ACEEDVDECA

ClinVar aggregate classification (germline): Uncertain significance. Review status: criteria provided, multiple submitters, no conflicts (2 of 4 stars). 2 submissions from 2 submitters: Uncertain significance (2). Last evaluated 2026-01-09.

Conditions:
Inborn genetic diseases. Identifiers: MedGen C0950123, MeSH D030342.

Allele frequency attached by ClinVar (database versions not stated): gnomAD 0.00003 and 0.00004; TOPMed 0.00004.
gnomAD v4.1: 60 of 1,612,788 alleles (0.0037%); highest among the groups gnomAD compares: African/African-American, 0.004%; no homozygotes.

Submissions (2):

Labcorp Genetics (formerly Invitae), Labcorp
Classification: Uncertain significance. Last evaluated: 2026-01-09. Review status: criteria provided, single submitter. Criteria: Invitae Variant Classification Sherloc (09022015). Collection method: clinical testing. Allele origin: germline.
Comment: This sequence change replaces serine, which is neutral and polar, with leucine, which is neutral and non-polar, at codon 668 of the LTBP4 protein (p.Ser668Leu). This variant is present in population databases (rs776198890, gnomAD 0.005%). This variant has not been reported in the literature in individuals affected with LTBP4-related conditions. ClinVar contains an entry for this variant (Variation ID: 1508122). Experimental studies and prediction algorithms are not available or were not evaluated, and the functional significance of this variant is currently unknown. In summary, the available evidence is currently insufficient to determine the role of this variant in disease. Therefore, it has been classified as a Variant of Uncertain Significance.

Ambry Genetics
Classification: Uncertain significance for Inborn genetic diseases. Last evaluated: 2021-08-10. Review status: criteria provided, single submitter. Criteria: Ambry Variant Classification Scheme 2023. Collection method: clinical testing. Allele origin: germline.